The following is an entry in ClinVar:

ClinVar aggregate classification (germline): Uncertain significance. Review status: criteria provided, multiple submitters, no conflicts (2 of 4 stars). 4 submissions from 3 submitters: Uncertain significance (4). Last evaluated 2025-04-18.

Conditions:
Familial cutaneous telangiectasia and oropharyngeal predisposition cancer syndrome. Identifiers: Orphanet 313846, MedGen C3281203, MONDO:0013806, OMIM 614564.
Inborn genetic diseases. Identifiers: MedGen C0950123, MeSH D030342.
Seckel syndrome 1 (SCKL1). Also called: MICROCEPHALIC PRIMORDIAL DWARFISM I. Identifiers: Orphanet 808, MedGen C4551474, MONDO:0008869, OMIM 210600.

gnomAD v4.1: 15 of 1,613,910 alleles (0.00093%); highest among the groups gnomAD compares: African/African-American, 0.008%; no homozygotes.

Submissions (4):

Labcorp Genetics (formerly Invitae), Labcorp
Classification: Uncertain significance. Last evaluated: 2025-04-18. Review status: criteria provided, single submitter. Criteria: Invitae Variant Classification Sherloc (09022015). Collection method: clinical testing. Allele origin: germline.
Comment: This sequence change replaces arginine, which is basic and polar, with lysine, which is basic and polar, at codon 443 of the ATR protein (p.Arg443Lys). This variant is not present in population databases (gnomAD no frequency). This variant has not been reported in the literature in individuals affected with ATR-related conditions. ClinVar contains an entry for this variant (Variation ID: 1345558). An algorithm developed to predict the effect of missense changes on protein structure and function outputs the following: PolyPhen-2: "Benign". The lysine amino acid residue is found in multiple mammalian species, which suggests that this missense change does not adversely affect protein function. In summary, the available evidence is currently insufficient to determine the role of this variant in disease. Therefore, it has been classified as a Variant of Uncertain Significance.

Ambry Genetics
Classification: Uncertain significance for Inborn genetic diseases. Last evaluated: 2024-08-20. Review status: criteria provided, single submitter. Criteria: Ambry Variant Classification Scheme 2023. Collection method: clinical testing. Allele origin: germline.

Genome-Nilou Lab
Classification: Uncertain significance for Seckel syndrome 1. Last evaluated: 2023-02-08. Review status: criteria provided, single submitter. Criteria: ACMG Guidelines, 2015. Collection method: clinical testing. Allele origin: germline.

Genome-Nilou Lab
Classification: Uncertain significance for Familial cutaneous telangiectasia and oropharyngeal predisposition cancer syndrome. Last evaluated: 2023-02-08. Review status: criteria provided, single submitter. Criteria: ACMG Guidelines, 2015. Collection method: clinical testing. Allele origin: germline.

NM_001184.4(ATR):c.1328G>A (p.Arg443Lys)

Gene: ATR (ATR checkpoint kinase; minus strand). Cytogenetic location: 3q23.
Variant type: single nucleotide variant.
Coding change: c.1328G>A on transcript NM_001184.4 (MANE Select); coding-DNA position 1328, G replaced by A.
Protein change: p.Arg443Lys; replaces arginine 443 with lysine.
Molecular consequence: missense variant.
Genome position (GRCh38, 1-based): chr3:142,561,264, C>T on the plus strand (G>A on the coding strand, the complement: ATR is on the minus strand). VCF-style: chr3-142561264-C-T. GRCh37 (hg19) VCF-style: chr3-142280106-C-T.
Other names: c.1328G>A, p.Arg443Lys (NM_001354579.2); short protein forms R443K.
Identifiers: ClinVar variation 1345558 (VCV001345558.8), dbSNP rs28367453, ClinGen allele CA84754636.
Genomic context (GRCh38, chr3:142,561,264, plus strand): 5'-TTTAATGGCTAAATACAAACTGAATGAAGGTCATCATACTCCTCAGTCTGTTTTGGTGCT[C>T]TTTTAGAAGGGTTTAGAGACGAGCTGAGACGACGCCTTTTGGGTGATATTCCATCACTAT-3'
Protein context (NP_001175.2, residues 433-453): RLSSSLNPSK[Arg443Lys]APKQTEEIKH